The following is an entry in ClinVar:

NM_014832.5(TBC1D4):c.238C>G (p.Arg80Gly)

Gene: TBC1D4 (TBC1 domain family member 4; minus strand). Cytogenetic location: 13q22.2.
Variant type: single nucleotide variant.
Coding change: c.238C>G on transcript NM_014832.5 (MANE Select); coding-DNA position 238, C replaced by G.
Protein change: p.Arg80Gly; replaces arginine 80 with glycine.
Molecular consequence: missense variant.
Genome position (GRCh38, 1-based): chr13:75,481,530, G>C on the plus strand (C>G on the coding strand, the complement: TBC1D4 is on the minus strand). VCF-style: chr13-75481530-G-C. GRCh37 (hg19) VCF-style: chr13-76055666-G-C.
Other names: c.238C>G, p.Arg80Gly (NM_001286658.2, NM_001286659.2); short protein forms R80G.
Identifiers: ClinVar variation 2634636 (VCV002634636.1), dbSNP rs546086978, ClinGen allele CA7004336.

ClinVar aggregate classification (germline): Uncertain significance (1 of 4 stars; one submission).

Conditions:
TBC1D4-related disorder. Also called: TBC1D4-related condition.

Allele frequency attached by ClinVar (database versions not stated): gnomAD exomes 0.00006; ExAC 0.00017; gnomAD 0.00034; TOPMed 0.00047; 1000 Genomes Project 0.00060; 1000 Genomes Project 30x 0.00062.
gnomAD v4.1: 136 of 1,605,692 alleles (0.0085%); highest among the groups gnomAD compares: African/African-American, 0.1%; no homozygotes.

Submission:

PreventionGenetics, part of Exact Sciences
Classification: Uncertain significance for TBC1D4-related condition. Last evaluated: 2023-03-06. Review status: criteria provided, single submitter. Criteria: ACMG Guidelines, 2015. Collection method: clinical testing. Allele origin: germline.
Comment: The TBC1D4 c.238C>G variant is predicted to result in the amino acid substitution p.Arg80Gly. To our knowledge, this variant has not been reported in the literature. This variant is reported in 0.14% of alleles in individuals of African descent in gnomAD, which may be too common to be an unreported disease-causing variant. Although we suspect that this variant may be benign, at this time, the clinical significance of this variant is uncertain due to the absence of conclusive functional and genetic evidence.